The following is an entry in ClinVar:

ClinVar aggregate classification (germline): Likely pathogenic. Review status: criteria provided, multiple submitters, no conflicts (2 of 4 stars). 2 submissions from 2 submitters: Likely pathogenic (2). Last evaluated 2025-08-22.

Conditions:
Deficiency of acetyl-CoA acetyltransferase. Also called: 3-KETOTHIOLASE DEFICIENCY; 3-OXOTHIOLASE DEFICIENCY; Beta-ketothiolase deficiency; MITOCHONDRIAL ACETOACETYL-CoA THIOLASE DEFICIENCY. Identifiers: Orphanet 134, MedGen C1536500, MONDO:0008760, OMIM 203750. Disease mechanism: loss of function.

Submissions (2):

Natera, Inc.
Classification: Likely pathogenic for Alpha-methylacetoacetic aciduria. Last evaluated: 2025-08-22. Review status: criteria provided, single submitter. Criteria: Natera Variant Classification Schema (03/2026). Collection method: clinical testing. Allele origin: germline.
Comment: The c.556G>T variant in ACAT1 is a missense variant predicted to cause substitution of aspartic acid to tyrosine at amino acid 186. This variant is rare in the general population with a frequency below the threshold expected for the associated phenotype(s). This variant has been observed in one or more individuals affected with the associated recessive disease, as either homozygous or compound heterozygous with a second variant (PMID: 20488739). Functional studies show that this variant may disrupt protein function (PMID: 31268215). Computational prediction algorithms indicate this variant is likely to affect gene or protein function. Given the available evidence, this variant is classified as Likely Pathogenic.

Department of Pediatrics, Gifu University
Classification: Likely pathogenic for Deficiency of acetyl-CoA acetyltransferase. Last evaluated: 2019-05-05. Review status: criteria provided, single submitter. Criteria: ACMG Guidelines, 2015. Collection method: research. Allele origin: germline. Affected: yes. Observed: 1 variant allele.

Literature cited by the submitters: PubMed 20488739 (cited by Natera, Inc. and Department of Pediatrics, Gifu University); PubMed 31268215 (cited by Natera, Inc. and Department of Pediatrics, Gifu University).

NM_000019.4(ACAT1):c.556G>T (p.Asp186Tyr)

Gene: ACAT1 (acetyl-CoA acetyltransferase 1; plus strand). Cytogenetic location: 11q22.3.
Variant type: single nucleotide variant.
Coding change: c.556G>T on transcript NM_000019.4 (MANE Select); coding-DNA position 556, G replaced by T.
Protein change: p.Asp186Tyr; replaces aspartic acid 186 with tyrosine.
Molecular consequence: missense variant.
Genome position (GRCh38, 1-based): chr11:108,139,018, G>T. VCF-style: chr11-108139018-G-T. GRCh37 (hg19) VCF-style: chr11-108009745-G-T.
Other names: short protein forms D186Y.
Identifiers: ClinVar variation 666488 (VCV000666488.2), dbSNP rs1591367592, ClinGen allele CA382507303.
Genomic context (GRCh38, chr11:108,139,018, plus strand): 5'-GGATCAACACCATATGGTGGGGTAAAGCTTGAAGATTTGATTGTAAAAGACGGGCTAACT[G>T]ATGTCTACAATAAAATTCATATGGTAAATGTGATTTTTAGTGGATAAATGCTATCTAATG-3'
Protein context (NP_000010.1, residues 176-196): EDLIVKDGLT[Asp186Tyr]VYNKIHMGSC